The following is an entry in ClinVar:

ClinVar aggregate classification (germline): Uncertain significance (1 of 4 stars; one submission).

Submission:

Labcorp Genetics (formerly Invitae), Labcorp
Classification: Uncertain significance. Last evaluated: 2024-02-15. Review status: criteria provided, single submitter. Criteria: Invitae Variant Classification Sherloc (09022015). Collection method: clinical testing. Allele origin: germline.
Comment: This sequence change replaces lysine, which is basic and polar, with glutamic acid, which is acidic and polar, at codon 276 of the FGFR3 protein (p.Lys276Glu). This variant is not present in population databases (gnomAD no frequency). This variant has not been reported in the literature in individuals affected with FGFR3-related conditions. Advanced modeling of protein sequence and biophysical properties (such as structural, functional, and spatial information, amino acid conservation, physicochemical variation, residue mobility, and thermodynamic stability) performed at Invitae indicates that this missense variant is not expected to disrupt FGFR3 protein function with a negative predictive value of 95%. In summary, the available evidence is currently insufficient to determine the role of this variant in disease. Therefore, it has been classified as a Variant of Uncertain Significance.

NM_000142.5(FGFR3):c.826A>G (p.Lys276Glu)

Gene: FGFR3 (fibroblast growth factor receptor 3; plus strand). Cytogenetic location: 4p16.3.
Variant type: single nucleotide variant.
Coding change: c.826A>G on transcript NM_000142.5 (MANE Select); coding-DNA position 826, A replaced by G.
Protein change: p.Lys276Glu; replaces lysine 276 with glutamic acid.
Molecular consequence: missense variant. On other transcripts: non-coding transcript variant (1).
Genome position (GRCh38, 1-based): chr4:1,801,921, A>G. VCF-style: chr4-1801921-A-G. GRCh37 (hg19) VCF-style: chr4-1803648-A-G.
Other names: c.826A>G, p.Lys276Glu (NM_001163213.2, NM_001354809.2, NM_001354810.2 and 1 more transcripts); short protein forms K276E.
Identifiers: ClinVar variation 2761659 (VCV002761659.3), dbSNP rs1721240086, ClinGen allele CA355976334.